The following is an entry in ClinVar:

NM_002069.6(GNAI1):c.118+5G>A

Gene: GNAI1 (G protein subunit alpha i1; plus strand). Cytogenetic location: 7q21.11.
Variant type: single nucleotide variant.
Coding change: c.118+5G>A on transcript NM_002069.6 (MANE Select); 5 bases into the intron after coding-DNA position 118, G replaced by A.
Molecular consequence: intron variant.
Genome position (GRCh38, 1-based): chr7:80,135,283, G>A. VCF-style: chr7-80135283-G-A. GRCh37 (hg19) VCF-style: chr7-79764599-G-A.
Identifiers: ClinVar variation 2221257 (VCV002221257.12), dbSNP rs374969277, ClinGen allele CA4314427.
Genomic context (GRCh38, chr7:80,135,283, plus strand): 5'-CAACCTCCGTGAGGACGGCGAGAAGGCGGCGCGCGAGGTCAAGCTGCTGCTGCTCGGTAA[G>A]GGCGGCCGGGTCGGGGCCCGGGGGTCGGCGGGGGACCGGGTGCGGCGCTGCGCGGCCCTC-3'

ClinVar aggregate classification (germline): Likely benign. Review status: criteria provided, multiple submitters, no conflicts (2 of 4 stars). 2 submissions from 2 submitters: Likely benign (2). Last evaluated 2026-03-01.

Conditions:
Inborn genetic diseases. Identifiers: MedGen C0950123, MeSH D030342.

Allele frequency attached by ClinVar (database versions not stated): ESP Exome Variant Server 0.00016; 1000 Genomes Project 30x 0.00031; TOPMed 0.00053; gnomAD exomes 0.00060; gnomAD 0.00062; ExAC 0.00122.
gnomAD v4.1: 893 of 1,455,376 alleles (0.061%); highest among the groups gnomAD compares: Admixed American, 0.089%; 4 homozygotes.

Submissions (2):

CeGaT Center for Human Genetics Tuebingen
Classification: Likely benign. Last evaluated: 2026-03-01. Review status: criteria provided, single submitter. Criteria: CeGaT Center For Human Genetics Tuebingen Variant Classification Criteria Version 2. Collection method: clinical testing. Allele origin: germline. Affected: yes. Observed: 2 variant alleles.
Comment: GNAI1: BS1

Ambry Genetics
Classification: Likely benign for Inborn genetic diseases. Last evaluated: 2021-07-20. Review status: criteria provided, single submitter. Criteria: Ambry Variant Classification Scheme 2023. Collection method: clinical testing. Allele origin: germline.